The following is an entry in ClinVar:

NM_005732.4(RAD50):c.3306A>T (p.Glu1102Asp)

Gene: RAD50 (RAD50 double strand break repair protein; plus strand). Cytogenetic location: 5q31.1.
Variant type: single nucleotide variant.
Coding change: c.3306A>T on transcript NM_005732.4 (MANE Select); coding-DNA position 3306, A replaced by T.
Protein change: p.Glu1102Asp; replaces glutamic acid 1102 with aspartic acid.
Molecular consequence: missense variant.
Genome position (GRCh38, 1-based): chr5:132,618,211, A>T. VCF-style: chr5-132618211-A-T. GRCh37 (hg19) VCF-style: chr5-131953903-A-T.
Other names: short protein forms E1102D.
Identifiers: ClinVar variation 484665 (VCV000484665.16), dbSNP rs780640956, ClinGen allele CA3405552.

ClinVar aggregate classification (germline): Uncertain significance. Review status: criteria provided, multiple submitters, no conflicts (2 of 4 stars). 2 submissions from 2 submitters: Uncertain significance (2). Last evaluated 2023-06-08.

Conditions:
Hereditary cancer-predisposing syndrome. Also called: Neoplastic Syndromes, Hereditary; Tumor predisposition; Hereditary Cancer Syndrome; Hereditary neoplastic syndrome. Identifiers: Orphanet 140162, MedGen C0027672, MeSH D009386, MONDO:0015356.

Allele frequency attached by ClinVar (database versions not stated): gnomAD exomes below 0.00001; ExAC 0.00001; gnomAD 0.00001; TOPMed 0.00001.
gnomAD v4.1: 3 of 1,613,934 alleles (0.00019%); highest among the groups gnomAD compares: African/African-American, 0.004%; no homozygotes.

Submissions (2):

Labcorp Genetics (formerly Invitae), Labcorp
Classification: Uncertain significance for Hereditary cancer-predisposing syndrome. Last evaluated: 2023-06-08. Review status: criteria provided, single submitter. Criteria: Invitae Variant Classification Sherloc (09022015). Collection method: clinical testing. Allele origin: germline.
Comment: In summary, the available evidence is currently insufficient to determine the role of this variant in disease. Therefore, it has been classified as a Variant of Uncertain Significance. Advanced modeling of protein sequence and biophysical properties (such as structural, functional, and spatial information, amino acid conservation, physicochemical variation, residue mobility, and thermodynamic stability) performed at Invitae indicates that this missense variant is not expected to disrupt RAD50 protein function. ClinVar contains an entry for this variant (Variation ID: 484665). This variant has not been reported in the literature in individuals affected with RAD50-related conditions. This variant is present in population databases (rs780640956, gnomAD 0.008%). This sequence change replaces glutamic acid, which is acidic and polar, with aspartic acid, which is acidic and polar, at codon 1102 of the RAD50 protein (p.Glu1102Asp).

Ambry Genetics
Classification: Uncertain significance for Hereditary cancer-predisposing syndrome. Last evaluated: 2019-05-17. Review status: criteria provided, single submitter. Criteria: Ambry Variant Classification Scheme 2023. Collection method: clinical testing. Allele origin: germline.
Comment: The p.E1102D variant (also known as c.3306A>T), located in coding exon 21 of the RAD50 gene, results from an A to T substitution at nucleotide position 3306. The glutamic acid at codon 1102 is replaced by aspartic acid, an amino acid with highly similar properties. This amino acid position is highly conserved in available vertebrate species. In addition, this alteration is predicted to be tolerated by in silico analysis. Since supporting evidence is limited at this time, the clinical significance of this alteration remains unclear.